The following is an entry in ClinVar:

NM_014946.4(SPAST):c.1414-6T>C

Gene: SPAST (spastin; plus strand). Cytogenetic location: 2p22.3.
Variant type: single nucleotide variant.
Coding change: c.1414-6T>C on transcript NM_014946.4 (MANE Select); 6 bases into the intron before coding-DNA position 1414, T replaced by C.
Molecular consequence: intron variant.
Genome position (GRCh38, 1-based): chr2:32,137,103, T>C. VCF-style: chr2-32137103-T-C. GRCh37 (hg19) VCF-style: chr2-32362172-T-C.
Other names: c.1318-6T>C (NM_199436.2, NM_001377959.1); c.1411-6T>C (NM_001363823.2); c.1315-6T>C (NM_001363875.2).
Identifiers: ClinVar variation 2890321 (VCV002890321.5), dbSNP rs375751214, ClinGen allele CA1600897.
Genomic context (GRCh38, chr2:32,137,103, plus strand): 5'-ATACAAATATCTTTATATTTGTTATTACTTTTCTAAATGAATTGAAAAAAGATTTTTTGC[T>C]TGTAGGTACAGTCTGCTGGAGATGACAGAGTACTTGTAATGGGTGCAACTAATAGGCCAC-3'

ClinVar aggregate classification (germline): Likely benign. Review status: criteria provided, multiple submitters, no conflicts (2 of 4 stars). 2 submissions from 2 submitters: Likely benign (2). Last evaluated 2026-04-01.

Conditions:
Hereditary spastic paraplegia 4. Also called: Spastic Paraplegia 4; Spastic paraplegia 4, autosomal dominant; Familial spastic paraplegia autosomal dominant 2. Identifiers: Orphanet 100985, MedGen C1866855, MONDO:0008438, OMIM 182601.

Allele frequency attached by ClinVar (database versions not stated): gnomAD 0.00001; ExAC 0.00002; gnomAD exomes 0.00002; ESP Exome Variant Server 0.00008.
gnomAD v4.1: 32 of 1,612,794 alleles (0.002%); highest among the groups gnomAD compares: Non-Finnish European, 0.0026%; no homozygotes.

Submissions (2):

CeGaT Center for Human Genetics Tuebingen
Classification: Likely benign. Last evaluated: 2026-04-01. Review status: criteria provided, single submitter. Criteria: CeGaT Center For Human Genetics Tuebingen Variant Classification Criteria Version 2. Collection method: clinical testing. Allele origin: germline. Affected: yes. Observed: 1 variant allele.
Comment: SPAST: BP4

Labcorp Genetics (formerly Invitae), Labcorp
Classification: Likely benign for Hereditary spastic paraplegia 4. Last evaluated: 2023-03-20. Review status: criteria provided, single submitter. Criteria: Invitae Variant Classification Sherloc (09022015). Collection method: clinical testing. Allele origin: germline.